The following is an entry in ClinVar:

NM_000709.4(BCKDHA):c.239G>A (p.Arg80His)

Gene: BCKDHA (branched chain keto acid dehydrogenase E1 subunit alpha; plus strand). Cytogenetic location: 19q13.2.
Variant type: single nucleotide variant.
Coding change: c.239G>A on transcript NM_000709.4 (MANE Select); coding-DNA position 239, G replaced by A.
Protein change: p.Arg80His; replaces arginine 80 with histidine.
Molecular consequence: missense variant.
Genome position (GRCh38, 1-based): chr19:41,410,767, G>A. VCF-style: chr19-41410767-G-A. GRCh37 (hg19) VCF-style: chr19-41916672-G-A.
Other names: c.239G>A, p.Arg80His (NM_001164783.2); short protein forms R80H.
Identifiers: ClinVar variation 1911938 (VCV001911938.3), dbSNP rs768944277, ClinGen allele CA9461031.

ClinVar aggregate classification (germline): Uncertain significance (1 of 4 stars; one submission).

Conditions:
Maple syrup urine disease (MSUD). Identifiers: Orphanet 511, MedGen C0024776, MeSH D008375, MONDO:0009563. Disease mechanism: loss of function.

Allele frequency attached by ClinVar (database versions not stated): gnomAD 0.00001; ExAC 0.00002; gnomAD exomes 0.00002; TOPMed 0.00002.
gnomAD v4.1: 32 of 1,613,982 alleles (0.002%); highest among the groups gnomAD compares: Admixed American, 0.01%; no homozygotes.

Submission:

Labcorp Genetics (formerly Invitae), Labcorp
Classification: Uncertain significance for Maple syrup urine disease. Last evaluated: 2024-06-02. Review status: criteria provided, single submitter. Criteria: Invitae Variant Classification Sherloc (09022015). Collection method: clinical testing. Allele origin: germline.
Comment: This sequence change replaces arginine, which is basic and polar, with histidine, which is basic and polar, at codon 80 of the BCKDHA protein (p.Arg80His). This variant is present in population databases (rs768944277, gnomAD 0.003%). This variant has not been reported in the literature in individuals affected with BCKDHA-related conditions. ClinVar contains an entry for this variant (Variation ID: 1911938). Advanced modeling of protein sequence and biophysical properties (such as structural, functional, and spatial information, amino acid conservation, physicochemical variation, residue mobility, and thermodynamic stability) performed at Invitae indicates that this missense variant is expected to disrupt BCKDHA protein function with a positive predictive value of 80%. In summary, the available evidence is currently insufficient to determine the role of this variant in disease. Therefore, it has been classified as a Variant of Uncertain Significance.